The following is an entry in ClinVar:

ClinVar aggregate classification (germline): Conflicting classifications of pathogenicity. Review status: criteria provided, conflicting classifications (1 of 4 stars). 2 submissions from 2 submitters: Uncertain significance (1); Likely benign (1). Last evaluated 2025-09-24.

gnomAD v4.1: 108 of 780,490 alleles (0.014%); highest among the groups gnomAD compares: African/African-American, 0.02%; no homozygotes.

Submissions (2):

Women's Health and Genetics/Laboratory Corporation of America, LabCorp
Classification: Likely benign. Last evaluated: 2025-09-24. Review status: criteria provided, single submitter. Criteria: LabCorp Variant Classification Summary - May 2015. Collection method: clinical testing. Allele origin: germline.
Comment: Variant summary: C1R c.656G>T (p.Arg219Leu) results in a non-conservative amino acid change in the encoded protein sequence. Algorithms developed to predict the effect of missense changes on protein structure and function are either unavailable or do not agree on the potential impact of this missense change. The variant allele was found at a frequency of 0.00012 in 247948 control chromosomes. The observed variant frequency exceeds the estimated maximal expected allele frequency for disease-causing variants in C1R. To our knowledge, no occurrence of c.656G>T in individuals affected with C1R-related conditions and no experimental evidence demonstrating its impact on protein function have been reported. No submitters have cited clinical-significance assessments for this variant to ClinVar. Based on the evidence outlined above, the variant was classified as likely benign.

Blueprint Genetics
Classification: Uncertain significance. Last evaluated: 2024-02-02. Review status: criteria provided, single submitter. Criteria: ACMG Guidelines, 2015. Collection method: clinical testing. Allele origin: germline.

NM_001733.7(C1R):c.656G>T (p.Arg219Leu)

Gene: C1R (complement C1r; minus strand). Cytogenetic location: 12p13.31.
Variant type: single nucleotide variant.
Coding change: c.656G>T on transcript NM_001733.7 (MANE Select); coding-DNA position 656, G replaced by T.
Protein change: p.Arg219Leu; replaces arginine 219 with leucine.
Molecular consequence: missense variant.
Genome position (GRCh38, 1-based): chr12:7,089,405, C>A on the plus strand (G>T on the coding strand, the complement: C1R is on the minus strand). VCF-style: chr12-7089405-C-A. GRCh37 (hg19) VCF-style: chr12-7242001-C-A.
Other names: c.698G>T, p.Arg233Leu (NM_001354346.2); short protein forms R219L, R233L.
Identifiers: ClinVar variation 4536004 (VCV004536004.2).